The following is an entry in ClinVar:

NM_144997.7(FLCN):c.555C>T (p.Ser185=)

Gene: FLCN (folliculin; minus strand). Cytogenetic location: 17p11.2.
Variant type: single nucleotide variant.
Coding change: c.555C>T on transcript NM_144997.7 (MANE Select); coding-DNA position 555, C replaced by T.
Protein change: p.Ser185=; no amino-acid change (serine 185 retained).
Molecular consequence: synonymous variant.
Genome position (GRCh38, 1-based): chr17:17,223,985, G>A on the plus strand (C>T on the coding strand, the complement: FLCN is on the minus strand). VCF-style: chr17-17223985-G-A. GRCh37 (hg19) VCF-style: chr17-17127299-G-A.
Other names: c.609C>T, p.Ser203= (NM_001353229.2); c.555C>T, p.Ser185= (NM_001353230.2, NM_001353231.2, NM_144606.7).
Identifiers: ClinVar variation 1119490 (VCV001119490.10), dbSNP rs748363919, ClinGen allele CA8416383.

ClinVar aggregate classification (germline): Benign/Likely benign. Review status: criteria provided, multiple submitters, no conflicts (2 of 4 stars). 3 submissions from 3 submitters: Benign (1); Likely benign (2). Last evaluated 2025-09-28.

Conditions:
Birt-Hogg-Dube syndrome. Also called: Birt Hogg Dubé syndrome. Identifiers: Orphanet 122, MedGen C0346010, MONDO:0800444.
Birt-Hogg-Dube syndrome 1 (BHD1). Also called: FIBROFOLLICULOMAS WITH TRICHODISCOMAS AND ACROCHORDONS. Identifiers: Orphanet 122, MedGen CN375946, MONDO:0800445, OMIM 135150.
Hereditary cancer-predisposing syndrome. Also called: Neoplastic Syndromes, Hereditary; Hereditary Cancer Syndrome; Hereditary neoplastic syndrome; Tumor predisposition. Identifiers: Orphanet 140162, MedGen C0027672, MeSH D009386, MONDO:0015356.

Allele frequency attached by ClinVar (database versions not stated): ExAC 0.00001; TOPMed 0.00001.
gnomAD v4.1: 21 of 1,613,686 alleles (0.0013%); highest among the groups gnomAD compares: Non-Finnish European, 0.0018%; no homozygotes.

Submissions (3):

Labcorp Genetics (formerly Invitae), Labcorp
Classification: Likely benign for Birt-Hogg-Dube syndrome. Last evaluated: 2025-09-28. Review status: criteria provided, single submitter. Criteria: Invitae Variant Classification Sherloc (09022015). Collection method: clinical testing. Allele origin: germline.

Myriad Genetics, Inc.
Classification: Benign for Birt-Hogg-Dube syndrome 1. Last evaluated: 2024-10-23. Review status: criteria provided, single submitter. Criteria: Myriad Autosomal Dominant, Autosomal Recessive and X-Linked Classification Criteria (2023). Collection method: clinical testing. Allele origin: unknown.
Comment: This variant is considered benign. This variant is a silent/synonymous amino acid change and it is not expected to impact splicing.

Ambry Genetics
Classification: Likely benign for Hereditary cancer-predisposing syndrome. Last evaluated: 2022-08-28. Review status: criteria provided, single submitter. Criteria: Ambry Variant Classification Scheme 2023. Collection method: clinical testing. Allele origin: germline.